The following is an entry in ClinVar:

NM_001190274.2(FBXO11):c.1017T>A (p.Ala339=)

Gene: FBXO11 (F-box protein 11; minus strand). Cytogenetic location: 2p16.3.
Variant type: single nucleotide variant.
Coding change: c.1017T>A on transcript NM_001190274.2 (MANE Select); coding-DNA position 1017, T replaced by A.
Protein change: p.Ala339=; no amino-acid change (alanine 339 retained).
Molecular consequence: synonymous variant.
Genome position (GRCh38, 1-based): chr2:47,832,988, A>T on the plus strand (T>A on the coding strand, the complement: FBXO11 is on the minus strand). VCF-style: chr2-47832988-A-T. GRCh37 (hg19) VCF-style: chr2-48060127-A-T.
Other names: c.765T>A, p.Ala255= (NM_001374325.1, NM_025133.4).
Identifiers: ClinVar variation 4084934 (VCV004084934.8).

ClinVar aggregate classification (germline): Likely benign (1 of 4 stars; one submission).

Submission:

CeGaT Center for Human Genetics Tuebingen
Classification: Likely benign. Last evaluated: 2025-08-01. Review status: criteria provided, single submitter. Criteria: CeGaT Center For Human Genetics Tuebingen Variant Classification Criteria Version 2. Collection method: clinical testing. Allele origin: germline. Affected: yes. Observed: 1 variant allele.
Comment: FBXO11: PM2:Supporting, BP4, BP7